The following is an entry in ClinVar:

NM_004817.4(TJP2):c.3528C>T (p.Arg1176=)

Gene: TJP2 (tight junction protein 2; plus strand). Cytogenetic location: 9q21.11.
Variant type: single nucleotide variant.
Coding change: c.3528C>T on transcript NM_004817.4 (MANE Select); coding-DNA position 3528, C replaced by T.
Protein change: p.Arg1176=; no amino-acid change (arginine 1176 retained).
Molecular consequence: synonymous variant.
Genome position (GRCh38, 1-based): chr9:69,254,329, C>T. VCF-style: chr9-69254329-C-T. GRCh37 (hg19) VCF-style: chr9-71869245-C-T.
Other names: c.3018C>T, p.Arg1006= (NM_001170414.2); c.3429C>T, p.Arg1143= (NM_001170415.1); c.3621C>T, p.Arg1207= (NM_001170416.2); c.3453C>T, p.Arg1151= (NM_001369870.1); c.3459C>T, p.Arg1153= (NM_001369871.1); c.3417C>T, p.Arg1139= (NM_001369872.1); c.3204C>T, p.Arg1068= (NM_001369873.1); c.3099C>T, p.Arg1033= (NM_001369874.1); and 2 more.
Identifiers: ClinVar variation 1309124 (VCV001309124.3), dbSNP rs147675640, ClinGen allele CA5074008.
Genomic context (GRCh38, chr9:69,254,329, plus strand): 5'-TTATGGCAGTGATGCCGAGGAGGAGGAGTACCGCCAGCAGCTGTCAGAACACTCCAAGCG[C>T]GGTTACTATGGCCAGTCTGCCCGATACCGGGACACAGAATTATAGATGTCTGAGCACGGA-3'
Protein context (NP_004808.2, residues 1166-1186): YRQQLSEHSK[Arg1176=]GYYGQSARYR

ClinVar aggregate classification (germline): Likely benign (1 of 4 stars; one submission).

Allele frequency attached by ClinVar (database versions not stated): gnomAD 0.00001; ESP Exome Variant Server 0.00008; ExAC 0.00010.
gnomAD v4.1: 88 of 1,614,084 alleles (0.0055%); highest among the groups gnomAD compares: East Asian, 0.042%; no homozygotes.

Submission:

GeneDx
Classification: Likely benign. Last evaluated: 2021-11-01. Review status: criteria provided, single submitter. Criteria: GeneDx Variant Classification Process June 2021. Collection method: clinical testing. Allele origin: germline. Affected: yes.
Comment: See Variant Classification Assertion Criteria.